The following is an entry in ClinVar:

ClinVar aggregate classification (germline): Uncertain significance. Review status: criteria provided, multiple submitters, no conflicts (2 of 4 stars). 3 submissions from 3 submitters: Uncertain significance (3). Last evaluated 2024-01-04.

Conditions:
Hereditary cancer-predisposing syndrome. Also called: Neoplastic Syndromes, Hereditary; Tumor predisposition; Hereditary neoplastic syndrome; Hereditary Cancer Syndrome. Identifiers: Orphanet 140162, MedGen C0027672, MeSH D009386, MONDO:0015356.
Intellectual disability, autosomal dominant 16 (CSS4). Also called: COFFIN-SIRIS SYNDROME 4. Identifiers: Orphanet 1465, MedGen C3553249, MONDO:0013821, OMIM 614609.
Rhabdoid tumor predisposition syndrome 2 (RTPS2). Identifiers: Orphanet 231108, Orphanet 69077, MedGen C2750074, MONDO:0013224, OMIM 613325.

Allele frequency attached by ClinVar (database versions not stated): gnomAD exomes 0.00001.
gnomAD v4.1: 4 of 1,613,712 alleles (0.00025%); highest among the groups gnomAD compares: South Asian, 0.0033%; no homozygotes.

Submissions (3):

Labcorp Genetics (formerly Invitae), Labcorp
Classification: Uncertain significance for Rhabdoid tumor predisposition syndrome 2. Last evaluated: 2024-01-04. Review status: criteria provided, single submitter. Criteria: Invitae Variant Classification Sherloc (09022015). Collection method: clinical testing. Allele origin: germline.
Comment: This sequence change replaces serine, which is neutral and polar, with proline, which is neutral and non-polar, at codon 1484 of the SMARCA4 protein (p.Ser1484Pro). This variant is present in population databases (no rsID available, gnomAD 0.006%). This variant has not been reported in the literature in individuals affected with SMARCA4-related conditions. ClinVar contains an entry for this variant (Variation ID: 824902). Advanced modeling of protein sequence and biophysical properties (such as structural, functional, and spatial information, amino acid conservation, physicochemical variation, residue mobility, and thermodynamic stability) has been performed at Invitae for this missense variant, however the output from this modeling did not meet the statistical confidence thresholds required to predict the impact of this variant on SMARCA4 protein function. In summary, the available evidence is currently insufficient to determine the role of this variant in disease. Therefore, it has been classified as a Variant of Uncertain Significance.

Genome-Nilou Lab
Classification: Uncertain significance for Intellectual disability, autosomal dominant 16. Last evaluated: 2021-07-15. Review status: criteria provided, single submitter. Criteria: ACMG Guidelines, 2015. Collection method: clinical testing. Allele origin: germline. Affected: no.

Ambry Genetics
Classification: Uncertain significance for Hereditary cancer-predisposing syndrome. Last evaluated: 2019-11-01. Review status: criteria provided, single submitter. Criteria: Ambry Variant Classification Scheme 2023. Collection method: clinical testing. Allele origin: germline.
Comment: The p.S1484P variant (also known as c.4450T>C), located in coding exon 30 of the SMARCA4 gene, results from a T to C substitution at nucleotide position 4450. The serine at codon 1484 is replaced by proline, an amino acid with similar properties. This amino acid position is well conserved in available vertebrate species. In addition, this alteration is predicted to be tolerated by in silico analysis. Since supporting evidence is limited at this time, the clinical significance of this alteration remains unclear.

NM_003072.5(SMARCA4):c.4354T>C (p.Ser1452Pro)

Gene: SMARCA4 (SWI/SNF related BAF chromatin remodeling complex subunit ATPase 4; plus strand). Cytogenetic location: 19p13.2.
Variant type: single nucleotide variant.
Coding change: c.4354T>C on transcript NM_003072.5 (MANE Select); coding-DNA position 4354, T replaced by C.
Protein change: p.Ser1452Pro; replaces serine 1452 with proline.
Molecular consequence: missense variant. On other transcripts: non-coding transcript variant (1).
Genome position (GRCh38, 1-based): chr19:11,041,490, T>C. VCF-style: chr19-11041490-T-C. GRCh37 (hg19) VCF-style: chr19-11152166-T-C.
Other names: c.4354T>C, p.Ser1452Pro (NM_001128844.3); c.4264T>C, p.Ser1422Pro (NM_001128845.2, NM_001128846.2); c.4255T>C, p.Ser1419Pro (NM_001128847.4, NM_001128848.2, NM_001374457.1); c.4450T>C, p.Ser1484Pro (NM_001128849.3); short protein forms S1452P, S1419P, S1484P, S1422P.
Identifiers: ClinVar variation 824902 (VCV000824902.16), dbSNP rs1267513562, ClinGen allele CA404073967.
Genomic context (GRCh38, chr19:11,041,490, plus strand): 5'-GACAAGGACGACGAGAGCAAGAAGCAGAAGAAGCGCGGGCGGCCGCCTGCCGAGAAACTC[T>C]CCCCTAACCCACCCAACCTCACCAAGAAGATGAAGAAGATTGTGGATGCCGTGATCAAGT-3'
Protein context (NP_003063.2, residues 1442-1462): KRGRPPAEKL[Ser1452Pro]PNPPNLTKKM